The following is an entry in ClinVar:

NM_000256.3(MYBPC3):c.512G>A (p.Ser171Asn)

Gene: MYBPC3 (myosin binding protein C3; minus strand). Cytogenetic location: 11p11.2.
Variant type: single nucleotide variant.
Coding change: c.512G>A on transcript NM_000256.3 (MANE Select); coding-DNA position 512, G replaced by A.
Protein change: p.Ser171Asn; replaces serine 171 with asparagine.
Molecular consequence: missense variant.
Genome position (GRCh38, 1-based): chr11:47,349,916, C>T on the plus strand (G>A on the coding strand, the complement: MYBPC3 is on the minus strand). VCF-style: chr11-47349916-C-T. GRCh37 (hg19) VCF-style: chr11-47371467-C-T.
Other names: short protein forms S171N.
Identifiers: ClinVar variation 3371021 (VCV003371021.3).

ClinVar aggregate classification (germline): Uncertain significance. Review status: criteria provided, multiple submitters, no conflicts (2 of 4 stars). 2 submissions from 2 submitters: Uncertain significance (2). Last evaluated 2025-11-22.

Conditions:
Hypertrophic cardiomyopathy. Also called: HYPERTROPHIC MYOCARDIOPATHY. Identifiers: Orphanet 217569, MedGen C0007194, MeSH D002312, MONDO:0005045, HP:0001639.

gnomAD v4.1: 2 of 1,587,432 alleles (0.00013%); highest among the groups gnomAD compares: African/African-American, 0.0028%; no homozygotes.

Submissions (2):

Labcorp Genetics (formerly Invitae), Labcorp
Classification: Uncertain significance for Hypertrophic cardiomyopathy. Last evaluated: 2025-11-22. Review status: criteria provided, single submitter. Criteria: Invitae Variant Classification Sherloc (09022015). Collection method: clinical testing. Allele origin: germline.
Comment: This sequence change replaces serine, which is neutral and polar, with asparagine, which is neutral and polar, at codon 171 of the MYBPC3 protein (p.Ser171Asn). The frequency data for this variant in the population databases is considered unreliable, as metrics indicate poor data quality at this position in the gnomAD database. This variant has not been reported in the literature in individuals affected with MYBPC3-related conditions. ClinVar contains an entry for this variant (Variation ID: 3371021). An algorithm developed to predict the effect of missense changes on protein structure and function outputs the following: PolyPhen-2: "Benign". The asparagine amino acid residue is found in multiple mammalian species, which suggests that this missense change does not adversely affect protein function. In summary, the available evidence is currently insufficient to determine the role of this variant in disease. Therefore, it has been classified as a Variant of Uncertain Significance.

GeneDx
Classification: Uncertain significance. Last evaluated: 2024-03-20. Review status: criteria provided, single submitter. Criteria: GeneDx Variant Classification Process June 2021. Collection method: clinical testing. Allele origin: germline. Affected: yes.
Comment: Has not been previously published as pathogenic or benign to our knowledge; Not observed at significant frequency in large population cohorts (gnomAD); In silico analysis supports that this missense variant does not alter protein structure/function